The following is an entry in ClinVar:

NM_001369.3(DNAH5):c.7059G>A (p.Leu2353=)

Gene: DNAH5 (dynein axonemal heavy chain 5; minus strand). Cytogenetic location: 5p15.2.
Variant type: single nucleotide variant.
Coding change: c.7059G>A on transcript NM_001369.3 (MANE Select); coding-DNA position 7059, G replaced by A.
Protein change: p.Leu2353=; no amino-acid change (leucine 2353 retained).
Molecular consequence: synonymous variant.
Genome position (GRCh38, 1-based): chr5:13,814,776, C>T on the plus strand (G>A on the coding strand, the complement: DNAH5 is on the minus strand). VCF-style: chr5-13814776-C-T. GRCh37 (hg19) VCF-style: chr5-13814885-C-T.
Identifiers: ClinVar variation 3621179 (VCV003621179.2).
Genomic context (GRCh38, chr5:13,814,776, plus strand): 5'-GCAGTTTGGAGCCATGGGAATCCGATCACCATTGGCAAGGGTTAGAGTTTTGTTATCATC[C>T]AAAACAGAATTCAGATTTTCAATCCAGATGGCATCTACTGGACCATCAAGAATTATCCAG-3'
Protein context (NP_001360.1, residues 2343-2363): AIWIENLNSV[Leu2353=]DDNKTLTLAN

ClinVar aggregate classification (germline): Uncertain significance (1 of 4 stars; one submission).

Conditions:
Primary ciliary dyskinesia. Also called: Ciliary dyskinesia. Identifiers: Orphanet 244, MedGen C0008780, MONDO:0016575, HP:0012265.

Submission:

Labcorp Genetics (formerly Invitae), Labcorp
Classification: Uncertain significance for Primary ciliary dyskinesia. Last evaluated: 2024-09-11. Review status: criteria provided, single submitter. Criteria: Invitae Variant Classification Sherloc (09022015). Collection method: clinical testing. Allele origin: germline.
Comment: This sequence change affects codon 2353 of the DNAH5 mRNA. It is a 'silent' change, meaning that it does not change the encoded amino acid sequence of the DNAH5 protein. This variant is not present in population databases (gnomAD no frequency). This variant has not been reported in the literature in individuals affected with DNAH5-related conditions. Algorithms developed to predict the effect of sequence changes on RNA splicing suggest that this variant may disrupt the consensus splice site. In summary, the available evidence is currently insufficient to determine the role of this variant in disease. Therefore, it has been classified as a Variant of Uncertain Significance.